The following is an entry in ClinVar:

NM_021813.4(BACH2):c.-13+26030T>G

Gene: BACH2 (BTB domain and CNC homolog 2; minus strand). Cytogenetic location: 6q15.
Variant type: single nucleotide variant.
Coding change: c.-13+26030T>G on transcript NM_021813.4 (MANE Select); 26030 bases into the intron after 13 bases upstream of the start codon, T replaced by G.
Molecular consequence: intron variant.
Genome position (GRCh38, 1-based): chr6:90,062,931, A>C on the plus strand (T>G on the coding strand, the complement: BACH2 is on the minus strand). VCF-style: chr6-90062931-A-C. GRCh37 (hg19) VCF-style: chr6-90772650-A-C.
Other names: c.-13+26030T>G (NM_001170794.2).
Identifiers: ClinVar variation 2688342 (VCV002688342.2), dbSNP rs4053606, ClinGen allele CA12414988.

ClinVar aggregate classification (germline): Benign (1 of 4 stars; one submission).

Allele frequency attached by ClinVar (database versions not stated): gnomAD 0.05267; gnomAD exomes 0.05440; 1000 Genomes Project 30x 0.05700; TOPMed 0.05701; 1000 Genomes Project 0.05871.
gnomAD v4.1: 53,467 of 984,712 alleles (5.4%); highest among the groups gnomAD compares: Admixed American, 12%; 1,642 homozygotes.

Submission:

Unidad de Genómica Garrahan, Hospital de Pediatría Garrahan
Classification: Benign. Last evaluated: 2024-01-24. Review status: criteria provided, single submitter. Criteria: ACMG Guidelines, 2015. Collection method: clinical testing. Allele origin: germline. Affected: no. Observed: 20 variant alleles.
Comment: This variant is classified as Benign based on local population frequency. This variant was detected in 21% of patients studied by a panel of primary immunodeficiencies. Number of patients: 20. Only high quality variants are reported.